The following is an entry in ClinVar:

ClinVar aggregate classification (germline): Conflicting classifications of pathogenicity. Review status: criteria provided, conflicting classifications (1 of 4 stars). 3 submissions from 3 submitters: Likely pathogenic (1); Uncertain significance (2). Last evaluated 2024-08-07.

Conditions:
Congenital stationary night blindness 1E. Also called: Night blindness, congenital stationary (complete), 1E, autosomal recessive. Identifiers: Orphanet 215, MedGen C3281215, MONDO:0013807, OMIM 614565.

Submissions (3):

Blueprint Genetics
Classification: Uncertain significance. Last evaluated: 2024-08-07. Review status: criteria provided, single submitter. Criteria: ACMG Guidelines, 2015. Collection method: clinical testing. Allele origin: germline.

Department of Pathology and Laboratory Medicine, Sinai Health System
Classification: Likely pathogenic for Congenital stationary night blindness 1E. Last evaluated: 2023-03-16. Review status: criteria provided, single submitter. Criteria: ACMG Guidelines, 2015. Collection method: research. Allele origin: germline.

Labcorp Genetics (formerly Invitae), Labcorp
Classification: Uncertain significance. Last evaluated: 2022-09-06. Review status: criteria provided, single submitter. Criteria: Invitae Variant Classification Sherloc (09022015). Collection method: clinical testing. Allele origin: germline.
Comment: This sequence change creates a premature translational stop signal (p.Arg1312Alafs*36) in the GPR179 gene. While this is not anticipated to result in nonsense mediated decay, it is expected to disrupt the last 1056 amino acid(s) of the GPR179 protein. This variant is present in population databases (rs781771361, gnomAD 0.02%). This variant has not been reported in the literature in individuals affected with GPR179-related conditions. Experimental studies and prediction algorithms are not available or were not evaluated, and the functional significance of this variant is currently unknown. In summary, the available evidence is currently insufficient to determine the role of this variant in disease. Therefore, it has been classified as a Variant of Uncertain Significance.

NM_001004334.4(GPR179):c.3934_3935del (p.Arg1312fs)

Gene: GPR179 (G protein-coupled receptor 179; minus strand). Cytogenetic location: 17q12.
Variant type: Microsatellite.
Coding change: c.3934_3935del on transcript NM_001004334.4 (MANE Select); coding-DNA positions 3934 to 3935, 2 bases deleted (AG; older notation c.3934_3935delAG).
Protein change: p.Arg1312fs; shifts the reading frame from arginine 1312.
Molecular consequence: frameshift variant.
Genome position (GRCh38, 1-based): chr17:38,329,634-38,329,635, CT deleted on the plus strand (AG on the coding strand, the reverse complement: GPR179 is on the minus strand); deleting any 2 consecutive bases within chr17:38,329,634-38,329,639 gives the same sequence; the c. name uses the placement nearest the transcript's 3' end. VCF-style (leftmost placement, unchanged base first): chr17-38329633-CCT-C. GRCh37 (hg19) VCF-style: chr17-36485516-CCT-C.
Other names: short protein forms R1312fs.
Identifiers: ClinVar variation 1908043 (VCV001908043.4), dbSNP rs781771361, ClinGen allele CA290104586.